The following is an entry in ClinVar:

ClinVar aggregate classification (germline): Likely pathogenic. Review status: criteria provided, multiple submitters, no conflicts (2 of 4 stars). 2 submissions from 2 submitters: Likely pathogenic (2). Last evaluated 2025-12-17.

Conditions:
Acyl-CoA dehydrogenase 9 deficiency. Also called: Acyl-CoA dehydrogenase family, member 9, deficiency of; MITOCHONDRIAL COMPLEX I DEFICIENCY, NUCLEAR TYPE 20. Identifiers: Orphanet 99901, MedGen C4747517, MONDO:0012624, OMIM 611126.

Allele frequency attached by ClinVar (database versions not stated): gnomAD exomes below 0.00001; TOPMed below 0.00001; ExAC 0.00001.
gnomAD v4.1: 3 of 1,614,150 alleles (0.00019%); highest among the groups gnomAD compares: Non-Finnish European, 0.00025%; no homozygotes.

Submissions (2):

Natera, Inc.
Classification: Likely pathogenic for ACAD9 deficiency. Last evaluated: 2025-12-17. Review status: criteria provided, single submitter. Criteria: Natera Variant Classification Schema (03/2026). Collection method: clinical testing. Allele origin: germline.
Comment: The c.882+1G>A variant in ACAD9 is a canonical splice donor site variant predicted to affect pre-mRNA splicing, which may result in an abnormal transcript and altered protein product. This variant is expected to result in nonsense mediated decay, truncation, or a dysfunctional protein product. This variant is rare in the general population with a frequency below the threshold expected for the associated phenotype(s). Given the available evidence, this variant is classified as Likely Pathogenic.

Labcorp Genetics (formerly Invitae), Labcorp
Classification: Likely pathogenic. Last evaluated: 2025-03-05. Review status: criteria provided, single submitter. Criteria: Invitae Variant Classification Sherloc (09022015). Collection method: clinical testing. Allele origin: germline.
Comment: This sequence change affects a donor splice site in intron 8 of the ACAD9 gene. It is expected to disrupt RNA splicing. Variants that disrupt the donor or acceptor splice site typically lead to a loss of protein function (PMID: 16199547), and loss-of-function variants in ACAD9 are known to be pathogenic (PMID: 25721401). This variant is present in population databases (rs750089899, gnomAD 0.0009%). This variant has not been reported in the literature in individuals affected with ACAD9-related conditions. ClinVar contains an entry for this variant (Variation ID: 1067512). Algorithms developed to predict the effect of sequence changes on RNA splicing suggest that this variant may disrupt the consensus splice site. In summary, the currently available evidence indicates that the variant is pathogenic, but additional data are needed to prove that conclusively. Therefore, this variant has been classified as Likely Pathogenic.

Literature cited by the submitters: PubMed 16199547 (cited by Labcorp Genetics (formerly Invitae), Labcorp); PubMed 25721401 (cited by Labcorp Genetics (formerly Invitae), Labcorp).

NM_014049.5(ACAD9):c.882+1G>A

Gene: ACAD9 (acyl-CoA dehydrogenase family member 9; plus strand). Cytogenetic location: 3q21.3.
Variant type: single nucleotide variant.
Coding change: c.882+1G>A on transcript NM_014049.5 (MANE Select); the canonical splice donor site of the intron after coding-DNA position 882, G replaced by A.
Molecular consequence: splice donor variant.
Genome position (GRCh38, 1-based): chr3:128,901,350, G>A. VCF-style: chr3-128901350-G-A. GRCh37 (hg19) VCF-style: chr3-128620193-G-A.
Other names: c.882+1G>A (NM_014049.4); c.513+1G>A (NM_001410805.1).
Identifiers: ClinVar variation 1067512 (VCV001067512.14), dbSNP rs750089899, ClinGen allele CA2601313.